The following is an entry in ClinVar:

NM_000293.3(PHKB):c.1841G>A (p.Arg614His)

Gene: PHKB (phosphorylase kinase regulatory subunit beta; plus strand). Cytogenetic location: 16q12.1.
Variant type: single nucleotide variant.
Coding change: c.1841G>A on transcript NM_000293.3 (MANE Select); coding-DNA position 1841, G replaced by A.
Protein change: p.Arg614His; replaces arginine 614 with histidine.
Molecular consequence: missense variant.
Genome position (GRCh38, 1-based): chr16:47,650,587, G>A. VCF-style: chr16-47650587-G-A. GRCh37 (hg19) VCF-style: chr16-47684498-G-A.
Other names: c.1820G>A, p.Arg607His (NM_001031835.3); c.1841G>A, p.Arg614His (NM_001363837.1); c.1841G>A (NM_000293.2); short protein forms R607H, R614H.
Identifiers: ClinVar variation 2072667 (VCV002072667.3), dbSNP rs140190371, ClinGen allele CA8040990.

ClinVar aggregate classification (germline): Uncertain significance. Review status: criteria provided, multiple submitters, no conflicts (2 of 4 stars). 2 submissions from 2 submitters: Uncertain significance (2). Last evaluated 2023-04-28.

Conditions:
Inborn genetic diseases. Identifiers: MedGen C0950123, MeSH D030342.
Glycogen storage disease IXb (GSD9B). Also called: PHOSPHORYLASE KINASE DEFICIENCY OF LIVER AND MUSCLE, AUTOSOMAL RECESSIVE; GLYCOGENOSIS OF LIVER AND MUSCLE, AUTOSOMAL RECESSIVE; GSD IXb. Identifiers: Orphanet 79240, MedGen C0543514, MONDO:0009868, OMIM 261750.

Allele frequency attached by ClinVar (database versions not stated): gnomAD exomes 0.00003; ExAC 0.00004; gnomAD 0.00004; TOPMed 0.00008; ESP Exome Variant Server 0.00015.
gnomAD v4.1: 55 of 1,610,926 alleles (0.0034%); highest among the groups gnomAD compares: African/African-American, 0.0094%; no homozygotes.

Submissions (2):

Ambry Genetics
Classification: Uncertain significance for Inborn genetic diseases. Last evaluated: 2023-04-28. Review status: criteria provided, single submitter. Criteria: Ambry Variant Classification Scheme 2023. Collection method: clinical testing. Allele origin: germline.

Labcorp Genetics (formerly Invitae), Labcorp
Classification: Uncertain significance for Glycogen storage disease IXb. Last evaluated: 2022-03-31. Review status: criteria provided, single submitter. Criteria: Invitae Variant Classification Sherloc (09022015). Collection method: clinical testing. Allele origin: germline.
Comment: This sequence change replaces arginine, which is basic and polar, with histidine, which is basic and polar, at codon 614 of the PHKB protein (p.Arg614His). This variant is present in population databases (rs140190371, gnomAD 0.01%). This variant has not been reported in the literature in individuals affected with PHKB-related conditions. Algorithms developed to predict the effect of missense changes on protein structure and function output the following: SIFT: "Deleterious"; PolyPhen-2: "Benign"; Align-GVGD: "Class C0". The histidine amino acid residue is found in multiple mammalian species, which suggests that this missense change does not adversely affect protein function. In summary, the available evidence is currently insufficient to determine the role of this variant in disease. Therefore, it has been classified as a Variant of Uncertain Significance.